The following is an entry in ClinVar:

NM_015158.5(KANK1):c.3285A>C (p.Leu1095Phe)

Gene: KANK1 (KN motif and ankyrin repeat domains 1; plus strand). Cytogenetic location: 9p24.3.
Variant type: single nucleotide variant.
Coding change: c.3285A>C on transcript NM_015158.5 (MANE Select); coding-DNA position 3285, A replaced by C.
Protein change: p.Leu1095Phe; replaces leucine 1095 with phenylalanine.
Molecular consequence: missense variant. On other transcripts: non-coding transcript variant (1).
Genome position (GRCh38, 1-based): chr9:734,787, A>C. VCF-style: chr9-734787-A-C. GRCh37 (hg19) VCF-style: chr9-734787-A-C.
Other names: c.3285A>C, p.Leu1095Phe (NM_001256876.3, NM_001256877.3, NM_001354334.2); c.3045A>C, p.Leu1015Phe (NM_001354331.2); c.3231A>C, p.Leu1077Phe (NM_001354332.2); c.2811A>C, p.Leu937Phe (NM_001354333.2, NM_001354335.2, NM_001354337.2 and 2 more transcripts); c.2517A>C, p.Leu839Phe (NM_001354336.2); c.2757A>C, p.Leu919Phe (NM_001354338.2, NM_001354340.2, NM_001354344.2); c.2571A>C, p.Leu857Phe (NM_001354339.2, NM_001354342.2, NM_001354343.2); short protein forms L857F, L919F, L839F, L1015F, L1095F, L1077F, L937F.
Identifiers: ClinVar variation 2613201 (VCV002613201.2), dbSNP rs1203553082, ClinGen allele CA372758132.

ClinVar aggregate classification (germline): Uncertain significance (1 of 4 stars; one submission).

Allele frequency attached by ClinVar (database versions not stated): gnomAD exomes 0.00001.
gnomAD v4.1: 9 of 1,613,852 alleles (0.00056%); highest among the groups gnomAD compares: South Asian, 0.0077%; no homozygotes.

Submission:

Ambry Genetics
Classification: Uncertain significance. Last evaluated: 2023-07-20. Review status: criteria provided, single submitter. Criteria: Ambry Variant Classification Scheme 2023. Collection method: clinical testing. Allele origin: germline.
Comment: Does not currently meet published gene-disease clinical validity criteria Based on insufficient or conflicting evidence, the clinical significance of this alteration remains unclear.

Literature cited by the submitters: PubMed 28106320.